The following is an entry in ClinVar:

NM_000081.4(LYST):c.6148C>T (p.Arg2050Trp)

Gene: LYST (lysosomal trafficking regulator; minus strand). Cytogenetic location: 1q42.3.
Variant type: single nucleotide variant.
Coding change: c.6148C>T on transcript NM_000081.4 (MANE Select); coding-DNA position 6148, C replaced by T.
Protein change: p.Arg2050Trp; replaces arginine 2050 with tryptophan.
Molecular consequence: missense variant.
Genome position (GRCh38, 1-based): chr1:235,762,825, G>A on the plus strand (C>T on the coding strand, the complement: LYST is on the minus strand). VCF-style: chr1-235762825-G-A. GRCh37 (hg19) VCF-style: chr1-235926125-G-A.
Other names: p.Arg2050Trp; c.6148C>T, p.Arg2050Trp (NM_001301365.1); short protein forms R2050W.
Identifiers: ClinVar variation 1413464 (VCV001413464.4), dbSNP rs773494262, ClinGen allele CA1466437.

ClinVar aggregate classification (germline): Uncertain significance. Review status: criteria provided, multiple submitters, no conflicts (2 of 4 stars). 3 submissions from 3 submitters: Uncertain significance (3). Last evaluated 2024-03-18.

Conditions:
Chédiak-Higashi syndrome (CHS). Also called: Chediak-Higashi Syndrome. Identifiers: Orphanet 167, MedGen C0007965, MONDO:0008963, OMIM 214500.

Allele frequency attached by ClinVar (database versions not stated): gnomAD exomes 0.00001; TOPMed 0.00001.
gnomAD v4.1: 11 of 1,613,094 alleles (0.00068%); highest among the groups gnomAD compares: South Asian, 0.0022%; no homozygotes.

Submissions (3):

Mayo Clinic Laboratories, Mayo Clinic
Classification: Uncertain significance. Last evaluated: 2024-03-18. Review status: criteria provided, single submitter. Criteria: ACMG Guidelines, 2015. Collection method: clinical testing. Allele origin: germline. Observed: 1 variant allele.
Comment: BP4, PM2

Labcorp Genetics (formerly Invitae), Labcorp
Classification: Uncertain significance for Chédiak-Higashi syndrome. Last evaluated: 2022-05-29. Review status: criteria provided, single submitter. Criteria: Invitae Variant Classification Sherloc (09022015). Collection method: clinical testing. Allele origin: germline.
Comment: This sequence change replaces arginine, which is basic and polar, with tryptophan, which is neutral and slightly polar, at codon 2050 of the LYST protein (p.Arg2050Trp). The frequency data for this variant in the population databases is considered unreliable, as metrics indicate poor data quality at this position in the gnomAD database. This variant has not been reported in the literature in individuals affected with LYST-related conditions. ClinVar contains an entry for this variant (Variation ID: 1413464). Algorithms developed to predict the effect of missense changes on protein structure and function are either unavailable or do not agree on the potential impact of this missense change (SIFT: "Deleterious"; PolyPhen-2: "Benign"; Align-GVGD: "Class C0"). In summary, the available evidence is currently insufficient to determine the role of this variant in disease. Therefore, it has been classified as a Variant of Uncertain Significance.

Breakthrough Genomics
Classification: Uncertain significance. Review status: criteria provided, single submitter. Criteria: ACMG Guidelines, 2015. Collection method: not provided. Allele origin: germline. Inheritance: Autosomal recessive inheritance. Affected: yes.